The following is an entry in ClinVar:

NM_005121.3(MED13):c.125del (p.Pro42fs)

Gene: MED13 (mediator complex subunit 13; minus strand). Cytogenetic location: 17q23.2.
Variant type: Deletion.
Coding change: c.125del on transcript NM_005121.3 (MANE Select); coding-DNA position 125, one base deleted (C; older notation c.125delC).
Protein change: p.Pro42fs; shifts the reading frame from proline 42.
Molecular consequence: frameshift variant.
Genome position (GRCh38, 1-based): chr17:62,063,243, G deleted on the plus strand (C on the coding strand, the reverse complement: MED13 is on the minus strand); the first of 4 consecutive G bases (chr17:62,063,243-62,063,246); deleting any one gives the same sequence. VCF-style (leftmost placement, unchanged base first): chr17-62063242-AG-A. GRCh37 (hg19) VCF-style: chr17-60140603-AG-A.
Other names: short protein forms P42fs.
Identifiers: ClinVar variation 817068 (VCV000817068.1), dbSNP rs1603410966, ClinGen allele CA915950723.

ClinVar aggregate classification (germline): Pathogenic (1 of 4 stars; one submission).

Submission:

GeneDx
Classification: Pathogenic. Last evaluated: 2018-09-28. Review status: criteria provided, single submitter. Criteria: GeneDx Variant Classification (06012015). Collection method: clinical testing. Allele origin: germline. Affected: yes.
Comment: The c.125delC variant in the MED13 gene causes a frameshift starting with codon Proline 42, changes this amino acid to a Leucine residue, and creates a premature Stop codon at position 6 of the new reading frame, denoted p.Pro42LeufsX6. This pathogenic variant is predicted to cause loss of normal protein function either through protein truncation or nonsense-mediated mRNA decay. The c.125delC variant is not observed in large population cohorts (Lek et al., 2016).